The following is an entry in ClinVar:

ClinVar aggregate classification (germline): Conflicting classifications of pathogenicity. Review status: criteria provided, conflicting classifications (1 of 4 stars). 9 submissions from 9 submitters: Uncertain significance (6); Likely benign (1). 2 of the submissions do not count toward it. Last evaluated 2025-11-19.

Conditions:
Hereditary cancer-predisposing syndrome. Also called: Neoplastic Syndromes, Hereditary; Tumor predisposition; Hereditary Cancer Syndrome; Hereditary neoplastic syndrome. Identifiers: Orphanet 140162, MedGen C0027672, MeSH D009386, MONDO:0015356.
Hereditary breast ovarian cancer syndrome. Also called: Breast and ovarian cancer; BRCA1- and BRCA2-Associated Hereditary Breast and Ovarian Cancer; Hereditary breast and ovarian cancer syndrome; Hereditary breast and/or ovarian cancer syndrome; Hereditary breast and ovarian cancer syndrome (HBOC); Hereditary breast and ovarian cancer. Identifiers: Orphanet 145, MedGen C0677776, MeSH D061325, MONDO:0003582. Disease mechanism: loss of function.
Breast-ovarian cancer, familial, susceptibility to, 2 (BROVCA2). Also called: BRCA2 Hereditary Breast and Ovarian Cancer. Identifiers: Orphanet 145, MedGen C2675520, MONDO:0012933, OMIM 612555. Disease mechanism: loss of function.

Allele frequency attached by ClinVar (database versions not stated): gnomAD exomes below 0.00001.
gnomAD v4.1: 4 of 1,608,150 alleles (0.00025%); no homozygotes.

Submissions (9):

Labcorp Genetics (formerly Invitae), Labcorp
Classification: Uncertain significance for Hereditary breast ovarian cancer syndrome. Last evaluated: 2025-11-19. Review status: criteria provided, single submitter. Criteria: Invitae Variant Classification Sherloc (09022015). Collection method: clinical testing. Allele origin: germline.
Comment: This sequence change replaces asparagine, which is neutral and polar, with threonine, which is neutral and polar, at codon 1642 of the BRCA2 protein (p.Asn1642Thr). This variant is present in population databases (rs80358718, gnomAD 0.01%). This variant has not been reported in the literature in individuals affected with BRCA2-related conditions. ClinVar contains an entry for this variant (Variation ID: 51741). Invitae Evidence Modeling of protein sequence and biophysical properties (such as structural, functional, and spatial information, amino acid conservation, physicochemical variation, residue mobility, and thermodynamic stability) indicates that this missense variant is not expected to disrupt BRCA2 protein function with a negative predictive value of 95%. In summary, the available evidence is currently insufficient to determine the role of this variant in disease. Therefore, it has been classified as a Variant of Uncertain Significance.

GeneDx
Classification: Uncertain significance. Last evaluated: 2024-03-01. Review status: criteria provided, single submitter. Criteria: GeneDx Variant Classification Process June 2021. Collection method: clinical testing. Allele origin: germline. Affected: yes.
Comment: Not observed at significant frequency in large population cohorts (gnomAD); In silico analysis supports that this missense variant has a deleterious effect on protein structure/function; Has not been previously published as pathogenic or benign to our knowledge; Also known as 5153A>C; This variant is associated with the following publications: (PMID: 35205643, 29884841, 31853058, 32377563)

Ambry Genetics
Classification: Uncertain significance for Hereditary cancer-predisposing syndrome. Last evaluated: 2023-08-15. Review status: criteria provided, single submitter. Criteria: Ambry Variant Classification Scheme 2023. Collection method: clinical testing. Allele origin: germline.
Comment: The p.N1642T variant (also known as c.4925A>C), located in coding exon 10 of the BRCA2 gene, results from an A to C substitution at nucleotide position 4925. The asparagine at codon 1642 is replaced by threonine, an amino acid with similar properties. This amino acid position is not well conserved in available vertebrate species. In addition, this alteration is predicted to be tolerated by in silico analysis. Since supporting evidence is limited at this time, the clinical significance of this alteration remains unclear.

Blueprint Genetics
Classification: Uncertain significance. Last evaluated: 2023-06-28. Review status: criteria provided, single submitter. Criteria: ACMG Guidelines, 2015. Collection method: clinical testing. Allele origin: germline.

Color Diagnostics, LLC DBA Color Health
Classification: Uncertain significance for Hereditary cancer-predisposing syndrome. Last evaluated: 2023-05-23. Review status: criteria provided, single submitter. Criteria: ACMG Guidelines, 2015. Collection method: clinical testing. Allele origin: germline.
Comment: This missense variant replaces asparagine with threonine at codon 1642 of the BRCA2 protein. Computational prediction suggests that this variant may not impact protein structure and function (internally defined REVEL score threshold <= 0.5, PMID: 27666373). To our knowledge, functional studies have not been reported for this variant. This variant has not been reported in individuals affected with BRCA2-related disorders in the literature. This variant has been identified in 1/244640 chromosomes in the general population by the Genome Aggregation Database (gnomAD). The available evidence is insufficient to determine the role of this variant in disease conclusively. Therefore, this variant is classified as a Variant of Uncertain Significance.

University of Washington Department of Laboratory Medicine, University of Washington
Classification: Likely benign for Hereditary cancer-predisposing syndrome. Last evaluated: 2023-03-23. Review status: criteria provided, single submitter. Criteria: Dines et al. (Genet Med. 2020). Collection method: curation. Allele origin: germline.
Comment: Missense variant in a coldspot region where missense variants are very unlikely to be pathogenic (PMID:31911673).

BRCA2 exon 11 coldspot. Reclassification based on statistical prior probability.

Quest Diagnostics Nichols Institute San Juan Capistrano
Classification: Uncertain significance. Last evaluated: 2020-11-19. Review status: criteria provided, single submitter. Criteria: Quest Diagnostics criteria. Collection method: clinical testing. Allele origin: unknown.

Sharing Clinical Reports Project (SCRP)
Classification: Uncertain significance for Breast-ovarian cancer, familial 2. Last evaluated: 2012-04-16. Review status: no assertion criteria provided. Collection method: clinical testing. Allele origin: germline. Not counted in ClinVar's aggregate classification.

Breast Cancer Information Core (BIC) (BRCA2)
Classification: Uncertain significance for Breast-ovarian cancer, familial 2. Last evaluated: 2004-02-20. Review status: no assertion criteria provided. Collection method: clinical testing. Allele origin: germline. Affected: yes. Observed: 2 variant alleles. Not counted in ClinVar's aggregate classification.

NM_000059.4(BRCA2):c.4925A>C (p.Asn1642Thr)

Gene: BRCA2 (BRCA2 DNA repair associated; plus strand). Cytogenetic location: 13q13.1.
Variant type: single nucleotide variant.
Coding change: c.4925A>C on transcript NM_000059.4 (MANE Select); coding-DNA position 4925, A replaced by C.
Protein change: p.Asn1642Thr; replaces asparagine 1642 with threonine.
Molecular consequence: missense variant.
Genome position (GRCh38, 1-based): chr13:32,339,280, A>C. VCF-style: chr13-32339280-A-C. GRCh37 (hg19) VCF-style: chr13-32913417-A-C.
Other names: 5153A>C; short protein forms N1642T.
Identifiers: ClinVar variation 51741 (VCV000051741.24), dbSNP rs80358718, ClinGen allele CA021014.